The following is an entry in ClinVar:

NM_001165963.4(SCN1A):c.2593C>G (p.Arg865Gly)

Gene: SCN1A (sodium voltage-gated channel alpha subunit 1; minus strand). Cytogenetic location: 2q24.3.
Variant type: single nucleotide variant.
Coding change: c.2593C>G on transcript NM_001165963.4 (MANE Select); coding-DNA position 2593, C replaced by G.
Protein change: p.Arg865Gly; replaces arginine 865 with glycine.
Molecular consequence: missense variant. On other transcripts: non-coding transcript variant (1).
Genome position (GRCh38, 1-based): chr2:166,038,129, G>C on the plus strand (C>G on the coding strand, the complement: SCN1A is on the minus strand). VCF-style: chr2-166038129-G-C. GRCh37 (hg19) VCF-style: chr2-166894639-G-C.
Other names: c.2509C>G, p.Arg837Gly (NM_001165964.3, NM_001353957.2, NM_001353958.2); c.2593C>G, p.Arg865Gly (NM_001202435.3, NM_001353948.2); c.2560C>G, p.Arg854Gly (NM_001353949.2, NM_001353950.2, NM_001353951.2 and 2 more transcripts); c.2557C>G, p.Arg853Gly (NM_001353954.2, NM_001353955.2); c.2506C>G, p.Arg836Gly (NM_001353960.2); c.151C>G, p.Arg51Gly (NM_001353961.2); short protein forms R51G, R836G, R837G, R853G, R854G, R865G.
Identifiers: ClinVar variation 3067162 (VCV003067162.2), dbSNP rs794726697, ClinGen allele CA349061817.

Conditions:
Severe myoclonic epilepsy in infancy (DRVT). Also called: Epileptic encephalopathy, early infantile, 6 (Dravet syndrome); Dravet syndrome; SEVERE MYOCLONIC EPILEPSY OF INFANCY; DEVELOPMENTAL AND EPILEPTIC ENCEPHALOPATHY 6A; Severe Myoclonic Epilepsy in Infancy (SMEI). Identifiers: Orphanet 33069, MedGen C0751122, MONDO:0100135, OMIM 607208.

Submission:

Channelopathy-Associated Epilepsy Research Center
No classification provided (evidence only). Condition: Severe myoclonic epilepsy in infancy. Review status: no classification provided. Collection method: literature only. Allele origin: not applicable. Functional consequence: Normal peak current, Moderate hyperpolarizing shift of voltage dependence of activation, Normal slope of activation, Normal voltage dependence of fast inactivation, Normal slope of fast inactivation, Slowing of recovery from fast inactivation, Normal rate of activation, Normal fast inactivation, Severe increase in persistent current, Overall gain-of-function effect with respect to biophysical channel activity.
ClinVar note: "not provided" was previously submitted as the classification for the variant. However, the classification appeared to be based only on an observation of functional data so it was converted to no classification on 2025-07-30.

Literature cited by the submitters: PubMed 21864321.